The following is an entry in ClinVar:

ClinVar aggregate classification (germline): Uncertain significance (1 of 4 stars; one submission).

Conditions:
Cataract 3 multiple types. Also called: CATARACT 3, MULTIPLE TYPES, WITH OR WITHOUT MICROCORNEA. Identifiers: Orphanet 1377, MedGen C1832175, MONDO:0011104, OMIM 601547.

Submission:

Labcorp Genetics (formerly Invitae), Labcorp
Classification: Uncertain significance for Cataract 3 multiple types. Last evaluated: 2022-12-22. Review status: criteria provided, single submitter. Criteria: Invitae Variant Classification Sherloc (09022015). Collection method: clinical testing. Allele origin: unknown.
Comment: In summary, the available evidence is currently insufficient to determine the role of this variant in disease. Therefore, it has been classified as a Variant of Uncertain Significance. Experimental studies and prediction algorithms are not available or were not evaluated, and the functional significance of this variant is currently unknown. This variant has not been reported in the literature in individuals affected with CRYBB2-related conditions. This variant results in a copy number gain of the genomic region encompassing exon(s) 4-6 of the CRYBB2 gene. This region includes the termination codon of the gene. This copy number gain extends beyond the assayed region for this gene and therefore may encompass additional genes. As the precise location of this event is unknown, it may be in tandem or it may be located elsewhere in the genome.

NC_000022.10:g.(?_25623800)_(25627739_?)dup

Gene: CRYBB2 (crystallin beta B2; plus strand). Cytogenetic location: 22q11.23.
Variant type: Duplication.
Identifiers: ClinVar variation 3247569 (VCV003247569.1).